The following is an entry in ClinVar:

NM_005802.5(TOPORS):c.1450G>A (p.Val484Ile)

Gene: TOPORS (TOP1 binding arginine/serine rich protein, E3 ubiquitin ligase; minus strand). Cytogenetic location: 9p21.1.
Variant type: single nucleotide variant.
Coding change: c.1450G>A on transcript NM_005802.5 (MANE Select); coding-DNA position 1450, G replaced by A.
Protein change: p.Val484Ile; replaces valine 484 with isoleucine.
Molecular consequence: missense variant.
Genome position (GRCh38, 1-based): chr9:32,543,075, C>T on the plus strand (G>A on the coding strand, the complement: TOPORS is on the minus strand). VCF-style: chr9-32543075-C-T. GRCh37 (hg19) VCF-style: chr9-32543073-C-T.
Other names: c.1255G>A, p.Val419Ile (NM_001195622.2); short protein forms V484I, V419I.
Identifiers: ClinVar variation 2706474 (VCV002706474.3), dbSNP rs2489451300, ClinGen allele CA373169985.
Genomic context (GRCh38, chr9:32,543,075, plus strand): 5'-AGTCCTCAGAATCAGAGGACAGTTCAACAAGTTCTGGGGTCCTCTCAGCTAGTGGTTTAA[C>T]AAACCCAACAATGACACAATTATCTGAAGAATCATCACTGTCATTATTTAGGTCGTCATT-3'
Protein context (NP_005793.2, residues 474-494): SSDNCVIVGF[Val484Ile]KPLAERTPEL

ClinVar aggregate classification (germline): Uncertain significance (1 of 4 stars; one submission).

Submission:

Labcorp Genetics (formerly Invitae), Labcorp
Classification: Uncertain significance. Last evaluated: 2023-12-30. Review status: criteria provided, single submitter. Criteria: Invitae Variant Classification Sherloc (09022015). Collection method: clinical testing. Allele origin: germline.
Comment: This sequence change replaces valine, which is neutral and non-polar, with isoleucine, which is neutral and non-polar, at codon 484 of the TOPORS protein (p.Val484Ile). This variant is not present in population databases (gnomAD no frequency). This variant has not been reported in the literature in individuals affected with TOPORS-related conditions. An algorithm developed to predict the effect of missense changes on protein structure and function (PolyPhen-2) suggests that this variant is likely to be disruptive. In summary, the available evidence is currently insufficient to determine the role of this variant in disease. Therefore, it has been classified as a Variant of Uncertain Significance.